The following is an entry in ClinVar:

ClinVar aggregate classification (germline): Uncertain significance. Review status: criteria provided, multiple submitters, no conflicts (2 of 4 stars). 2 submissions from 2 submitters: Uncertain significance (2). Last evaluated 2025-03-30.

Conditions:
Cardiovascular phenotype. Identifiers: MedGen CN230736.
Legius syndrome. Identifiers: Orphanet 137605, MedGen C1969623, MONDO:0012669, OMIM 611431. Disease mechanism: loss of function.

Allele frequency attached by ClinVar (database versions not stated): gnomAD exomes 0.00001; TOPMed 0.00001.
gnomAD v4.1: 11 of 1,613,942 alleles (0.00068%); highest among the groups gnomAD compares: Non-Finnish European, 0.00093%; no homozygotes.

Submissions (2):

Labcorp Genetics (formerly Invitae), Labcorp
Classification: Uncertain significance for Legius syndrome. Last evaluated: 2025-03-30. Review status: criteria provided, single submitter. Criteria: Invitae Variant Classification Sherloc (09022015). Collection method: clinical testing. Allele origin: germline.
Comment: This sequence change replaces valine, which is neutral and non-polar, with alanine, which is neutral and non-polar, at codon 152 of the SPRED1 protein (p.Val152Ala). This variant is not present in population databases (gnomAD no frequency). This variant has not been reported in the literature in individuals affected with SPRED1-related conditions. ClinVar contains an entry for this variant (Variation ID: 1483862). Invitae Evidence Modeling of protein sequence and biophysical properties (such as structural, functional, and spatial information, amino acid conservation, physicochemical variation, residue mobility, and thermodynamic stability) indicates that this missense variant is not expected to disrupt SPRED1 protein function with a negative predictive value of 80%. In summary, the available evidence is currently insufficient to determine the role of this variant in disease. Therefore, it has been classified as a Variant of Uncertain Significance.

Ambry Genetics
Classification: Uncertain significance for Cardiovascular phenotype. Last evaluated: 2021-11-28. Review status: criteria provided, single submitter. Criteria: Ambry Variant Classification Scheme 2023. Collection method: clinical testing. Allele origin: germline.
Comment: The p.V152A variant (also known as c.455T>C), located in coding exon 5 of the SPRED1 gene, results from a T to C substitution at nucleotide position 455. The valine at codon 152 is replaced by alanine, an amino acid with similar properties. This amino acid position is conserved. In addition, this alteration is predicted to be tolerated by in silico analysis. Since supporting evidence is limited at this time, the clinical significance of this alteration remains unclear.

NM_152594.3(SPRED1):c.455T>C (p.Val152Ala)

Gene: SPRED1 (sprouty related EVH1 domain containing 1; plus strand). Cytogenetic location: 15q14.
Variant type: single nucleotide variant.
Coding change: c.455T>C on transcript NM_152594.3 (MANE Select); coding-DNA position 455, T replaced by C.
Protein change: p.Val152Ala; replaces valine 152 with alanine.
Molecular consequence: missense variant.
Genome position (GRCh38, 1-based): chr15:38,339,768, T>C. VCF-style: chr15-38339768-T-C. GRCh37 (hg19) VCF-style: chr15-38631969-T-C.
Other names: short protein forms V152A.
Identifiers: ClinVar variation 1483862 (VCV001483862.10), dbSNP rs1895993159, ClinGen allele CA391932469.
Genomic context (GRCh38, chr15:38,339,768, plus strand): 5'-ACTAATGCATTGAGGGTTGTTCCCAATAGGCAAATGAAGAGGATTCTTCCAGTTCTCTAG[T>C]GAAGGATCACCTTTTTCAGCAAGAGACAGTTGTTACCAGTGAGCCTTATAGAAGCTCAAA-3'
Protein context (NP_689807.1, residues 142-162): ANEEDSSSSL[Val152Ala]KDHLFQQETV